The following is an entry in ClinVar:

NM_181486.4(TBX5):c.328G>A (p.Asp110Asn)

Gene: TBX5 (T-box transcription factor 5; minus strand). Cytogenetic location: 12q24.21.
Variant type: single nucleotide variant.
Coding change: c.328G>A on transcript NM_181486.4 (MANE Select); coding-DNA position 328, G replaced by A.
Protein change: p.Asp110Asn; replaces aspartic acid 110 with asparagine.
Molecular consequence: missense variant.
Genome position (GRCh38, 1-based): chr12:114,399,547, C>T on the plus strand (G>A on the coding strand, the complement: TBX5 is on the minus strand). VCF-style: chr12-114399547-C-T. GRCh37 (hg19) VCF-style: chr12-114837352-C-T.
Other names: c.328G>A, p.Asp110Asn (NM_000192.3); c.178G>A, p.Asp60Asn (NM_080717.4); short protein forms D110N, D60N.
Identifiers: ClinVar variation 1729832 (VCV001729832.2), dbSNP rs1428277072, ClinGen allele CA386862594.

ClinVar aggregate classification (germline): Uncertain significance (1 of 4 stars; one submission).

Conditions:
Cardiovascular phenotype. Identifiers: MedGen CN230736.

Allele frequency attached by ClinVar (database versions not stated): gnomAD 0.00001; gnomAD exomes 0.00001; TOPMed 0.00001.
gnomAD v4.1: 15 of 1,614,002 alleles (0.00093%); highest among the groups gnomAD compares: Middle Eastern, 0.016%; no homozygotes.

Submission:

Ambry Genetics
Classification: Uncertain significance for Cardiovascular phenotype. Last evaluated: 2020-10-21. Review status: criteria provided, single submitter. Criteria: Ambry Variant Classification Scheme 2023. Collection method: clinical testing. Allele origin: germline.
Comment: The p.D110N variant (also known as c.328G>A), located in coding exon 3 of the TBX5 gene, results from a G to A substitution at nucleotide position 328. The aspartic acid at codon 110 is replaced by asparagine, an amino acid with highly similar properties. This amino acid position is highly conserved in available vertebrate species. In addition, the in silico prediction for this alteration is inconclusive. Since supporting evidence is limited at this time, the clinical significance of this alteration remains unclear.